The following is an entry in ClinVar:

NM_025099.6(CTC1):c.2053C>T (p.Gln685Ter)

Gene: CTC1 (CST telomere replication complex component 1; minus strand). Cytogenetic location: 17p13.1.
Variant type: single nucleotide variant.
Coding change: c.2053C>T on transcript NM_025099.6 (MANE Select); coding-DNA position 2053, C replaced by T.
Protein change: p.Gln685Ter; replaces glutamine 685 with a stop codon.
Molecular consequence: nonsense. On other transcripts: non-coding transcript variant (1).
Genome position (GRCh38, 1-based): chr17:8,232,368, G>A on the plus strand (C>T on the coding strand, the complement: CTC1 is on the minus strand). VCF-style: chr17-8232368-G-A. GRCh37 (hg19) VCF-style: chr17-8135686-G-A.
Other names: c.2053C>T, p.Gln685Ter (NM_001411067.1); short protein forms Q685*.
Identifiers: ClinVar variation 3658486 (VCV003658486.2).

ClinVar aggregate classification (germline): Pathogenic (1 of 4 stars; one submission).

Conditions:
Dyskeratosis congenita. Identifiers: Orphanet 1775, MedGen C0265965, MONDO:0015780.

Submission:

Labcorp Genetics (formerly Invitae), Labcorp
Classification: Pathogenic for Dyskeratosis congenita. Last evaluated: 2024-09-02. Review status: criteria provided, single submitter. Criteria: Invitae Variant Classification Sherloc (09022015). Collection method: clinical testing. Allele origin: germline.
Comment: This sequence change creates a premature translational stop signal (p.Gln685*) in the CTC1 gene. It is expected to result in an absent or disrupted protein product. Loss-of-function variants in CTC1 are known to be pathogenic (PMID: 22267198, 22387016). This variant is not present in population databases (gnomAD no frequency). This variant has not been reported in the literature in individuals affected with CTC1-related conditions. For these reasons, this variant has been classified as Pathogenic.

Literature cited by the submitters: PubMed 22267198; PubMed 22387016.